The following is an entry in ClinVar:

ClinVar aggregate classification (somatic clinical impact): Tier II - Potential (1 of 4 stars; one submission).

Conditions:
Medulloblastoma non-WNT/non-SHH group 4. Identifiers: MedGen C4330666, MONDO:0956967.

Submission:

Institute for Genomic Medicine (IGM) Clinical Laboratory, Nationwide Children's Hospital
Classification: Tier II - Potential for Medulloblastoma non-WNT/non-SHH group 4. Assertion type: diagnostic. Clinical significance: supports diagnosis. Last evaluated: 2023-12-13. Review status: criteria provided, single submitter. Criteria: AMP/ASCO/CAP Guidelines, 2017. Collection method: clinical testing. Allele origin: somatic. Affected: yes.
Comment: Variant has Tier II (potential) clinical significance as a diagnostic inclusion criterion in medulloblastoma non-WNT/non-SHH group 4, based on the following evidence: 1) Appears in one or more well-established professional guidelines (e.g., World Health Organization [WHO]; National Comprehensive Cancer Network [NCCN]) as providing diagnostic, prognostic, or therapeutic information. 2) Diagnostic significance based on multiple small studies (Evidence Level C).

NM_003412.4(ZIC1):c.176C>A (p.Ala59Asp)

Gene: ZIC1 (Zic family zinc finger 1; plus strand). Cytogenetic location: 3q24.
Variant type: single nucleotide variant.
Coding change: c.176C>A on transcript NM_003412.4 (MANE Select); coding-DNA position 176, C replaced by A.
Protein change: p.Ala59Asp; replaces alanine 59 with aspartic acid.
Molecular consequence: missense variant.
Genome position (GRCh38, 1-based): chr3:147,410,288, C>A. VCF-style: chr3-147410288-C-A. GRCh37 (hg19) VCF-style: chr3-147128075-C-A.
Other names: short protein forms A59D.
Identifiers: ClinVar variation 4530030 (VCV004530030.1).